The following is an entry in ClinVar:

ClinVar aggregate classification (germline): Pathogenic. Review status: reviewed by expert panel (3 of 4 stars). 2 submissions from 2 submitters: Pathogenic (1). 1 of the submissions does not count toward it. Last evaluated 2016-10-18.

Conditions:
Breast-ovarian cancer, familial, susceptibility to, 2 (BROVCA2). Also called: BRCA2 Hereditary Breast and Ovarian Cancer. Identifiers: Orphanet 145, MedGen C2675520, MONDO:0012933, OMIM 612555. Disease mechanism: loss of function.

Submissions (2):

Evidence-based Network for the Interpretation of Germline Mutant Alleles (ENIGMA)
Classification: Pathogenic for Breast-ovarian cancer, familial, susceptibility to, 2. Last evaluated: 2016-10-18. Review status: reviewed by expert panel. Criteria: ENIGMA BRCA1/2 Classification Criteria (2015). Collection method: curation. Allele origin: germline.
Comment: Variant allele predicted to encode a truncated non-functional protein.

Consortium of Investigators of Modifiers of BRCA1/2 (CIMBA), c/o University of Cambridge
Classification: Pathogenic for Breast-ovarian cancer, familial, susceptibility to, 2. Last evaluated: 2015-10-02. Review status: criteria provided, single submitter. Criteria: CIMBA Mutation Classification guidelines May 2016. Collection method: clinical testing. Allele origin: germline. Not counted in ClinVar's aggregate classification.

NM_000059.4(BRCA2):c.201_202dup (p.Lys68fs)

Gene: BRCA2 (BRCA2 DNA repair associated; plus strand). Cytogenetic location: 13q13.1.
Variant type: Duplication.
Coding change: c.201_202dup on transcript NM_000059.4 (MANE Select); coding-DNA positions 201 to 202, 2 bases duplicated (GA; older notation c.201_202dupGA).
Protein change: p.Lys68fs; shifts the reading frame from lysine 68.
Molecular consequence: frameshift variant.
Genome position (GRCh38, 1-based): chr13:32,319,210-32,319,211, GA duplicated. VCF-style (leftmost placement, unchanged base first): chr13-32319209-G-GGA. GRCh37 (hg19) VCF-style: chr13-32893346-G-GGA.
Other names: 429_430dupGA; short protein forms K68fs.
Identifiers: ClinVar variation 266672 (VCV000266672.5), dbSNP rs886040400, ClinGen allele CA10589013.